The following is an entry in ClinVar:

ClinVar aggregate classification (germline): Uncertain significance (1 of 4 stars; one submission).

gnomAD v4.1: 26 of 1,297,202 alleles (0.002%); highest among the groups gnomAD compares: African/African-American, 0.012%; 1 homozygote.

Submission:

Labcorp Genetics (formerly Invitae), Labcorp
Classification: Uncertain significance. Last evaluated: 2023-05-15. Review status: criteria provided, single submitter. Criteria: Invitae Variant Classification Sherloc (09022015). Collection method: clinical testing. Allele origin: germline.
Comment: This sequence change replaces alanine, which is neutral and non-polar, with threonine, which is neutral and polar, at codon 62 of the SLC12A2 protein (p.Ala62Thr). This variant is not present in population databases (gnomAD no frequency). This variant has not been reported in the literature in individuals affected with SLC12A2-related conditions. Advanced modeling of protein sequence and biophysical properties (such as structural, functional, and spatial information, amino acid conservation, physicochemical variation, residue mobility, and thermodynamic stability) performed at Invitae indicates that this missense variant is not expected to disrupt SLC12A2 protein function. In summary, the available evidence is currently insufficient to determine the role of this variant in disease. Therefore, it has been classified as a Variant of Uncertain Significance.

NM_001046.3(SLC12A2):c.184G>A (p.Ala62Thr)

Genes: SLC12A2 (solute carrier family 12 member 2; plus strand), LOC129994526 (ATAC-STARR-seq lymphoblastoid silent region 16295; plus strand). Cytogenetic location: 5q23.3.
Variant type: single nucleotide variant.
Coding change: c.184G>A on transcript NM_001046.3 (MANE Select); coding-DNA position 184, G replaced by A.
Protein change: p.Ala62Thr; replaces alanine 62 with threonine.
Molecular consequence: missense variant. On other transcripts: non-coding transcript variant (1).
Genome position (GRCh38, 1-based): chr5:128,084,138, G>A. VCF-style: chr5-128084138-G-A. GRCh37 (hg19) VCF-style: chr5-127419830-G-A.
Other names: c.184G>A, p.Ala62Thr (NM_001256461.2); short protein forms A62T.
Identifiers: ClinVar variation 2966959 (VCV002966959.3), dbSNP rs542192991, ClinGen allele CA3392749.